The following is an entry in ClinVar:

NM_007294.4(BRCA1):c.611T>G (p.Leu204Trp)

Gene: BRCA1 (BRCA1 DNA repair associated; minus strand). Cytogenetic location: 17q21.31.
Variant type: single nucleotide variant.
Coding change: c.611T>G on transcript NM_007294.4 (MANE Select); coding-DNA position 611, T replaced by G.
Protein change: p.Leu204Trp; replaces leucine 204 with tryptophan.
Molecular consequence: missense variant. On other transcripts: non-coding transcript variant (1).
Genome position (GRCh38, 1-based): chr17:43,095,905, A>C on the plus strand (T>G on the coding strand, the complement: BRCA1 is on the minus strand). VCF-style: chr17-43095905-A-C. GRCh37 (hg19) VCF-style: chr17-41247922-A-C.
Other names: c.398T>G, p.Leu133Trp (NM_001407571.1, NM_001407853.1, NM_001407894.1 and 12 more transcripts); c.611T>G, p.Leu204Trp (NM_001407581.1, NM_001407582.1, NM_001407583.1 and 59 more transcripts); c.608T>G, p.Leu203Trp (NM_001407587.1, NM_001407590.1, NM_001407591.1 and 41 more transcripts); c.602T>G, p.Leu201Trp (NM_001407646.1, NM_001407647.1, NM_001408408.1); c.533T>G, p.Leu178Trp (NM_001407653.1, NM_001407654.1, NM_001407655.1 and 9 more transcripts); c.530T>G, p.Leu177Trp (NM_001407659.1, NM_001407660.1, NM_001407661.1 and 3 more transcripts); c.470T>G, p.Leu157Trp (NM_001407692.1, NM_001407694.1, NM_001407695.1 and 43 more transcripts); c.467T>G, p.Leu156Trp (NM_001407740.1, NM_001407741.1, NM_001407742.1 and 26 more transcripts); and 4 more; short protein forms L157W, L204W, L133W, L178W, L77W, L156W, L177W, L159W.
Identifiers: ClinVar variation 639275 (VCV000639275.10), dbSNP rs1403004357, ClinGen allele CA10600881.
Genomic context (GRCh38, chr17:43,095,905, plus strand): 5'-CCCTTTTTTGCAGAATCCAAACTGATTTCATCCCTGGTTCCTTGAGGGGTGATTTGTAAC[A>C]ATTCTTGATCTCCCACACTATAGGGAAAAGACAGAGTCCTAATAAGAAACACTAGTTACA-3'
Protein context (NP_009225.1, residues 194-214): ATYCSVGDQE[Leu204Trp]LQITPQGTRD

ClinVar aggregate classification (germline): Uncertain significance (1 of 4 stars; one submission).

Conditions:
Hereditary breast ovarian cancer syndrome. Also called: Hereditary breast and ovarian cancer; Hereditary breast and ovarian cancer syndrome (HBOC); BRCA1- and BRCA2-Associated Hereditary Breast and Ovarian Cancer; Hereditary breast and ovarian cancer syndrome; Hereditary breast and/or ovarian cancer syndrome; Breast and ovarian cancer. Identifiers: Orphanet 145, MedGen C0677776, MeSH D061325, MONDO:0003582. Disease mechanism: loss of function.

Allele frequency attached by ClinVar (database versions not stated): gnomAD below 0.00001 and 0.00001; gnomAD exomes below 0.00001.
gnomAD v4.1: 2 of 1,613,306 alleles (0.00012%); highest among the groups gnomAD compares: South Asian, 0.0022%; no homozygotes.

Submission:

Labcorp Genetics (formerly Invitae), Labcorp
Classification: Uncertain significance for Hereditary breast ovarian cancer syndrome. Last evaluated: 2024-07-31. Review status: criteria provided, single submitter. Criteria: Invitae Variant Classification Sherloc (09022015). Collection method: clinical testing. Allele origin: germline.
Comment: This sequence change replaces leucine, which is neutral and non-polar, with tryptophan, which is neutral and slightly polar, at codon 204 of the BRCA1 protein (p.Leu204Trp). This variant is present in population databases (no rsID available, gnomAD 0.003%). This variant has not been reported in the literature in individuals affected with BRCA1-related conditions. ClinVar contains an entry for this variant (Variation ID: 639275). Advanced modeling of protein sequence and biophysical properties (such as structural, functional, and spatial information, amino acid conservation, physicochemical variation, residue mobility, and thermodynamic stability) performed at Invitae indicates that this missense variant is not expected to disrupt BRCA1 protein function with a negative predictive value of 95%. In summary, the available evidence is currently insufficient to determine the role of this variant in disease. Therefore, it has been classified as a Variant of Uncertain Significance.